The following is an entry in ClinVar:

ClinVar aggregate classification (germline): Conflicting classifications of pathogenicity. Review status: criteria provided, conflicting classifications (1 of 4 stars). 11 submissions from 11 submitters: Uncertain significance (2); Benign (2); Likely benign (6). 1 of the submissions does not count toward it. Last evaluated 2025-10-23.

Conditions:
Tuberous sclerosis syndrome (TSC). Also called: Tuberous Sclerosis Complex; Tuberous sclerosis. Identifiers: Orphanet 805, MedGen C0041341, MONDO:0001734.
TSC2-related disorder. Also called: TSC2-related condition; TSC2-Related Disorders.
Hereditary cancer-predisposing syndrome. Also called: Hereditary neoplastic syndrome; Neoplastic Syndromes, Hereditary; Hereditary Cancer Syndrome; Tumor predisposition. Identifiers: Orphanet 140162, MedGen C0027672, MeSH D009386, MONDO:0015356.
Tuberous sclerosis 2 (TSC2). Identifiers: Orphanet 805, MedGen C1860707, MONDO:0013199, OMIM 613254.

Allele frequency attached by ClinVar (database versions not stated): gnomAD exomes 0.00001.
gnomAD v4.1: 9 of 1,614,120 alleles (0.00056%); highest among the groups gnomAD compares: South Asian, 0.0099%; no homozygotes.

Submissions (11):

Labcorp Genetics (formerly Invitae), Labcorp
Classification: Likely benign for Tuberous sclerosis 2. Last evaluated: 2025-10-23. Review status: criteria provided, single submitter. Criteria: Invitae Variant Classification Sherloc (09022015). Collection method: clinical testing. Allele origin: germline.

Myriad Genetics, Inc.
Classification: Benign for Tuberous sclerosis 2. Last evaluated: 2025-05-19. Review status: criteria provided, single submitter. Criteria: Myriad Autosomal Dominant, Autosomal Recessive and X-Linked Classification Criteria (2023). Collection method: clinical testing. Allele origin: unknown.
Comment: This variant is considered benign. This variant is a silent/synonymous amino acid change and it is not expected to impact splicing.

Blueprint Genetics
Classification: Likely benign. Last evaluated: 2024-08-17. Review status: criteria provided, single submitter. Criteria: ACMG Guidelines, 2015. Collection method: clinical testing. Allele origin: germline.

Quest Diagnostics Nichols Institute San Juan Capistrano
Classification: Uncertain significance. Last evaluated: 2024-05-29. Review status: criteria provided, single submitter. Criteria: Quest Diagnostics criteria. Collection method: clinical testing. Allele origin: unknown.

KCCC/NGS Laboratory, Kuwait Cancer Control Center
Classification: Likely benign for Tuberous sclerosis 2. Last evaluated: 2023-07-07. Review status: criteria provided, single submitter. Criteria: ACMG Guidelines, 2015. Collection method: clinical testing. Allele origin: germline. Affected: yes.

Color Diagnostics, LLC DBA Color Health
Classification: Likely benign for Tuberous sclerosis syndrome. Last evaluated: 2023-06-28. Review status: criteria provided, single submitter. Criteria: ACMG Guidelines, 2015. Collection method: clinical testing. Allele origin: germline.

Sema4
Classification: Uncertain significance for Hereditary cancer-predisposing syndrome. Last evaluated: 2022-03-15. Review status: criteria provided, single submitter. Criteria: Sema4 Curation Guidelines. Collection method: curation. Allele origin: germline.
Comment: The TSC2 c.2128C>T (p.L710=) variant has not been reported in the literature to our knowledge. It was observed in 2/30616 chromosomes in the South Asian population according to the Genome Aggregation Database (PMID: 32461654). This variant has been reported in ClinVar (Variation ID: 467926). The amino acid residue is not predicted to be altered but the affected nucleotide is highly conserved. In silico tools suggest that this variant may not impact splicing, though these predictions have not been confirmed by functional studies. The evidence is insufficient to meet ACMG/AMP criteria for classifying the variant as benign or pathogenic. Thus, the clinical significance of this variant is currently uncertain.

Genome-Nilou Lab
Classification: Benign for Tuberous sclerosis 2. Last evaluated: 2021-11-07. Review status: criteria provided, single submitter. Criteria: ACMG Guidelines, 2015. Collection method: clinical testing. Allele origin: germline. Affected: no.

GeneDx
Classification: Likely benign. Last evaluated: 2020-08-25. Review status: criteria provided, single submitter. Criteria: GeneDx Variant Classification Process June 2021. Collection method: clinical testing. Allele origin: germline. Affected: yes.

Ambry Genetics
Classification: Likely benign for Hereditary cancer-predisposing syndrome. Last evaluated: 2020-02-18. Review status: criteria provided, single submitter. Criteria: Ambry Variant Classification Scheme 2023. Collection method: clinical testing. Allele origin: germline.

PreventionGenetics, part of Exact Sciences
Classification: Likely benign for TSC2-related condition. Last evaluated: 2019-05-23. Review status: no assertion criteria provided. Collection method: clinical testing. Allele origin: germline. Not counted in ClinVar's aggregate classification.
Comment: This variant is classified as likely benign based on ACMG/AMP sequence variant interpretation guidelines (Richards et al. 2015 PMID: 25741868, with internal and published modifications).

NM_000548.5(TSC2):c.2128C>T (p.Leu710=)

Gene: TSC2 (TSC complex subunit 2; plus strand). Cytogenetic location: 16p13.3.
Variant type: single nucleotide variant.
Coding change: c.2128C>T on transcript NM_000548.5 (MANE Select); coding-DNA position 2128, C replaced by T.
Protein change: p.Leu710=; no amino-acid change (leucine 710 retained).
Molecular consequence: synonymous variant.
Genome position (GRCh38, 1-based): chr16:2,072,271, C>T. VCF-style: chr16-2072271-C-T. GRCh37 (hg19) VCF-style: chr16-2122272-C-T.
Other names: c.2128C>T (NM_000548.4); c.2128C>T, p.Leu710= (NM_001077183.3, NM_001114382.3, NM_001363528.2 and 3 more transcripts); c.2017C>T, p.Leu673= (NM_001318827.2); c.1981C>T, p.Leu661= (NM_001318829.2); c.1528C>T, p.Leu510= (NM_001318831.2); c.2161C>T, p.Leu721= (NM_001318832.2).
Identifiers: ClinVar variation 467926 (VCV000467926.25), dbSNP rs1225700612, ClinGen allele CA493042666.